The following is an entry in ClinVar:

ClinVar aggregate classification (germline): Pathogenic (1 of 4 stars; one submission).

Conditions:
Alstrom syndrome (ALMS). Identifiers: Orphanet 64, MedGen C0268425, MONDO:0008763, OMIM 203800.

Submission:

Labcorp Genetics (formerly Invitae), Labcorp
Classification: Pathogenic for Alstrom syndrome. Last evaluated: 2025-05-11. Review status: criteria provided, single submitter. Criteria: Invitae Variant Classification Sherloc (09022015). Collection method: clinical testing. Allele origin: germline.
Comment: This sequence change creates a premature translational stop signal (p.Thr490Asnfs*4) in the ALMS1 gene. It is expected to result in an absent or disrupted protein product. Loss-of-function variants in ALMS1 are known to be pathogenic (PMID: 17594715). This variant is not present in population databases (gnomAD no frequency). This variant has not been reported in the literature in individuals affected with ALMS1-related conditions. ClinVar contains an entry for this variant (Variation ID: 1403594). For these reasons, this variant has been classified as Pathogenic.

Literature cited by the submitters: PubMed 17594715.

NM_001378454.1(ALMS1):c.1466_1469del (p.Thr489fs)

Gene: ALMS1 (ALMS1 centrosome and basal body associated protein; plus strand). Cytogenetic location: 2p13.1.
Variant type: Deletion.
Coding change: c.1466_1469del on transcript NM_001378454.1 (MANE Select); coding-DNA positions 1466 to 1469, 4 bases deleted (CTCA; older notation c.1466_1469delCTCA).
Protein change: p.Thr489fs; shifts the reading frame from threonine 489.
Molecular consequence: frameshift variant.
Genome position (GRCh38, 1-based): chr2:73,447,993-73,447,996, CTCA deleted; deleting any 4 consecutive bases within chr2:73,447,992-73,447,996 gives the same sequence; the c. name uses the placement nearest the transcript's 3' end. VCF-style (leftmost placement, unchanged base first): chr2-73447991-TACTC-T. GRCh37 (hg19) VCF-style: chr2-73675121-TACTC-T.
Other names: c.1469_1472del, p.Thr490fs (NM_015120.4); short protein forms T489fs, T490fs.
Identifiers: ClinVar variation 1403594 (VCV001403594.6), dbSNP rs2103771168, ClinGen allele CA2573135743.